The following is an entry in ClinVar:

NM_001447.3(FAT2):c.10274G>A (p.Arg3425Lys)

Genes: FAT2 (FAT atypical cadherin 2; minus strand), SLC36A1 (solute carrier family 36 member 1; plus strand). Cytogenetic location: 5q33.1.
Variant type: single nucleotide variant.
Coding change: c.10274G>A on transcript NM_001447.3 (MANE Select); coding-DNA position 10274, G replaced by A.
Protein change: p.Arg3425Lys; replaces arginine 3425 with lysine.
Molecular consequence: missense variant.
Genome position (GRCh38, 1-based): chr5:151,527,268, C>T on the plus strand (G>A on the coding strand, the complement: FAT2 is on the minus strand). VCF-style: chr5-151527268-C-T. GRCh37 (hg19) VCF-style: chr5-150906829-C-T.
Other names: short protein forms R3425K.
Identifiers: ClinVar variation 2843619 (VCV002843619.3), dbSNP rs2127586314, ClinGen allele CA361825814.
Genomic context (GRCh38, chr5:151,527,268, plus strand): 5'-AGGGTGCCTTGGAGGCTCAAGCTTACCTGGACAGTGGTGCTGTAGTTGAGCTGGAAGAAT[C>T]TCGGTGGGTTATCATTGACATCAGCCACTTGGATAGCGATGTCTGTGTCCTCATGCAGTG-3'
Protein context (NP_001438.1, residues 3415-3435): QVADVNDNPP[Arg3425Lys]FFQLNYSTTV

ClinVar aggregate classification (germline): Uncertain significance (1 of 4 stars; one submission).

Submission:

Labcorp Genetics (formerly Invitae), Labcorp
Classification: Uncertain significance. Last evaluated: 2023-08-17. Review status: criteria provided, single submitter. Criteria: Invitae Variant Classification Sherloc (09022015). Collection method: clinical testing. Allele origin: germline.
Comment: An algorithm developed to predict the effect of missense changes on protein structure and function (PolyPhen-2) suggests that this variant is likely to be disruptive. This variant has not been reported in the literature in individuals affected with FAT2-related conditions. In summary, the available evidence is currently insufficient to determine the role of this variant in disease. Therefore, it has been classified as a Variant of Uncertain Significance. This variant is not present in population databases (gnomAD no frequency). This sequence change replaces arginine, which is basic and polar, with lysine, which is basic and polar, at codon 3425 of the FAT2 protein (p.Arg3425Lys).